The following is an entry in ClinVar:

ClinVar aggregate classification (germline): Pathogenic (1 of 4 stars; one submission).

Submission:

Labcorp Genetics (formerly Invitae), Labcorp
Classification: Pathogenic. Last evaluated: 2024-04-01. Review status: criteria provided, single submitter. Criteria: Invitae Variant Classification Sherloc (09022015). Collection method: clinical testing. Allele origin: germline.
Comment: This sequence change creates a premature translational stop signal (p.Gln2083*) in the UNC80 gene. It is expected to result in an absent or disrupted protein product. Loss-of-function variants in UNC80 are known to be pathogenic (PMID: 26545877, 26708751, 26708753). This variant is not present in population databases (gnomAD no frequency). This variant has not been reported in the literature in individuals affected with UNC80-related conditions. ClinVar contains an entry for this variant (Variation ID: 1371926). Algorithms developed to predict the effect of sequence changes on RNA splicing suggest that this variant may disrupt the consensus splice site. For these reasons, this variant has been classified as Pathogenic.

Literature cited by the submitters: PubMed 26545877; PubMed 26708751; PubMed 26708753.

NM_001371986.1(UNC80):c.6445C>T (p.Gln2149Ter)

Gene: UNC80 (unc-80 subunit of NALCN channel complex; plus strand). Cytogenetic location: 2q34.
Variant type: single nucleotide variant.
Coding change: c.6445C>T on transcript NM_001371986.1 (MANE Select); coding-DNA position 6445, C replaced by T.
Protein change: p.Gln2149Ter; replaces glutamine 2149 with a stop codon.
Molecular consequence: nonsense.
Genome position (GRCh38, 1-based): chr2:209,937,610, C>T. VCF-style: chr2-209937610-C-T. GRCh37 (hg19) VCF-style: chr2-210802334-C-T.
Other names: c.6247C>T, p.Gln2083Ter (NM_032504.2); c.6232C>T, p.Gln2078Ter (NM_182587.4); short protein forms Q2078*, Q2149*, Q2083*.
Identifiers: ClinVar variation 1371926 (VCV001371926.6), dbSNP rs1336618986, ClinGen allele CA350771732.